The following is an entry in ClinVar:

ClinVar aggregate classification (germline): Uncertain significance (1 of 4 stars; one submission).

Allele frequency attached by ClinVar (database versions not stated): gnomAD exomes 0.00002 and 0.00007; gnomAD 0.00003; ExAC 0.00011; 1000 Genomes Project 30x 0.00062; 1000 Genomes Project 0.00080.
gnomAD v4.1: 29 of 1,542,762 alleles (0.0019%); highest among the groups gnomAD compares: South Asian, 0.023%; no homozygotes.

Submission:

Labcorp Genetics (formerly Invitae), Labcorp
Classification: Uncertain significance. Last evaluated: 2025-05-05. Review status: criteria provided, single submitter. Criteria: Invitae Variant Classification Sherloc (09022015). Collection method: clinical testing. Allele origin: germline.
Comment: This sequence change replaces arginine, which is basic and polar, with tryptophan, which is neutral and slightly polar, at codon 833 of the PLEKHG2 protein (p.Arg833Trp). This variant is present in population databases (rs545483432, gnomAD 0.06%). This variant has not been reported in the literature in individuals affected with PLEKHG2-related conditions. ClinVar contains an entry for this variant (Variation ID: 1495554). An algorithm developed to predict the effect of missense changes on protein structure and function (PolyPhen-2) suggests that this variant is likely to be disruptive. In summary, the available evidence is currently insufficient to determine the role of this variant in disease. Therefore, it has been classified as a Variant of Uncertain Significance.

NM_022835.3(PLEKHG2):c.2497C>T (p.Arg833Trp)

Gene: PLEKHG2 (pleckstrin homology and RhoGEF domain containing G2; plus strand). Cytogenetic location: 19q13.2.
Variant type: single nucleotide variant.
Coding change: c.2497C>T on transcript NM_022835.3 (MANE Select); coding-DNA position 2497, C replaced by T.
Protein change: p.Arg833Trp; replaces arginine 833 with tryptophan.
Molecular consequence: missense variant. On other transcripts: intron variant (1).
Genome position (GRCh38, 1-based): chr19:39,423,551, C>T. VCF-style: chr19-39423551-C-T. GRCh37 (hg19) VCF-style: chr19-39914191-C-T.
Other names: c.2320C>T, p.Arg774Trp (NM_001351693.2); c.1677+1263C>T (NM_001351694.2); short protein forms R833W, R774W.
Identifiers: ClinVar variation 1495554 (VCV001495554.6), dbSNP rs545483432, ClinGen allele CA9429788.
Genomic context (GRCh38, chr19:39,423,551, plus strand): 5'-ACGGCGTCCCGAGTGCGAGAGCTGGCCCGGCTTTACAGCGAGCGGATCCAGCAGATGCAG[C>T]GGGCGGAGACTCGGGCATCAGCCAATGCCCCGCGCCGCCGGCCTCGGGTTCTGGCCCAAC-3'
Protein context (NP_073746.2, residues 823-843): LYSERIQQMQ[Arg833Trp]AETRASANAP